The following is an entry in ClinVar:

ClinVar aggregate classification (germline): Likely benign (0 of 4 stars; one submission).

Conditions:
HBD-related disorder. Also called: HBD-Related Disorders; HBD-related condition.

Allele frequency attached by ClinVar (database versions not stated): ExAC 0.00009; ESP Exome Variant Server 0.00015; TOPMed 0.00027; gnomAD 0.00037; 1000 Genomes Project 30x 0.00047; 1000 Genomes Project 0.00060.
gnomAD v4.1: 134 of 1,614,030 alleles (0.0083%); highest among the groups gnomAD compares: African/African-American, 0.14%; no homozygotes.

Submission:

PreventionGenetics, part of Exact Sciences
Classification: Likely benign for HBD-related condition. Last evaluated: 2019-07-15. Review status: no assertion criteria provided. Collection method: clinical testing. Allele origin: germline.
Comment: This variant is classified as likely benign based on ACMG/AMP sequence variant interpretation guidelines (Richards et al. 2015 PMID: 25741868, with internal and published modifications).

NM_000519.4(HBD):c.363G>A (p.Lys121=)

Gene: HBD (hemoglobin subunit delta; minus strand). Cytogenetic location: 11p15.4.
Variant type: single nucleotide variant.
Coding change: c.363G>A on transcript NM_000519.4 (MANE Select); coding-DNA position 363, G replaced by A.
Protein change: p.Lys121=; no amino-acid change (lysine 121 retained).
Molecular consequence: synonymous variant.
Genome position (GRCh38, 1-based): chr11:5,233,045, C>T on the plus strand (G>A on the coding strand, the complement: HBD is on the minus strand). VCF-style: chr11-5233045-C-T. GRCh37 (hg19) VCF-style: chr11-5254275-C-T.
Identifiers: ClinVar variation 3049559 (VCV003049559.2), dbSNP rs148878316, ClinGen allele CA5839896.